The following is an entry in ClinVar:

NM_020975.6(RET):c.2070C>T (p.Ser690=)

Gene: RET (ret proto-oncogene; plus strand). Cytogenetic location: 10q11.21.
Variant type: single nucleotide variant.
Coding change: c.2070C>T on transcript NM_020975.6 (MANE Select); coding-DNA position 2070, C replaced by T.
Protein change: p.Ser690=; no amino-acid change (serine 690 retained).
Molecular consequence: synonymous variant.
Genome position (GRCh38, 1-based): chr10:43,114,670, C>T. VCF-style: chr10-43114670-C-T. GRCh37 (hg19) VCF-style: chr10-43610118-C-T.
Other names: c.2070C>T, p.Ser690= (NM_000323.2, NM_001406743.1, NM_001406744.1 and 4 more transcripts); c.1308C>T, p.Ser436= (NM_001355216.2); c.1941C>T, p.Ser647= (NM_001406761.1, NM_001406762.1, NM_001406764.1); c.1935C>T, p.Ser645= (NM_001406763.1, NM_001406765.1); c.1782C>T, p.Ser594= (NM_001406766.1, NM_001406767.1, NM_001406770.1); c.1806C>T, p.Ser602= (NM_001406768.1); c.1674C>T, p.Ser558= (NM_001406769.1, NM_001406772.1); c.1632C>T, p.Ser544= (NM_001406771.1, NM_001406773.1); and 10 more.
Identifiers: ClinVar variation 299897 (VCV000299897.23), dbSNP rs201550433, ClinGen allele CA037190.
Genomic context (GRCh38, chr10:43,114,670, plus strand): 5'-CTCAGCTGAGATGACCTTCCGGAGGCCCGCCCAGGCCTTCCCGGTCAGCTACTCCTCTTC[C>T]GGTGCCCGCCGGCCCTCGCTGGACTCCATGGAGAACCAGGTCTCCGTGGATGCCTTCAAG-3'
Protein context (NP_066124.1, residues 680-700): AQAFPVSYSS[Ser690=]GARRPSLDSM

ClinVar aggregate classification (germline): Conflicting classifications of pathogenicity. Review status: criteria provided, conflicting classifications (1 of 4 stars). 10 submissions from 7 submitters: Uncertain significance (2); Benign (1); Likely benign (6). 1 of the submissions does not count toward it. Last evaluated 2026-05-13.

Conditions:
RET-related disorder. Also called: RET-related condition; RET-related disease; RET-related disorders.
Multiple endocrine neoplasia, type 2 (MEN2). Identifiers: Orphanet 653, MedGen C4048306, MONDO:0019003. Disease mechanism: gain of function.
Renal hypodysplasia/aplasia 1 (RHDA1). Also called: RENAL APLASIA; HEREDITARY RENAL APLASIA. Identifiers: Orphanet 411709, MedGen C1619700, MONDO:0024519, OMIM 191830.
Multiple endocrine neoplasia. Identifiers: Orphanet 276161, MedGen C0027662, MONDO:0017169.
Hirschsprung disease, susceptibility to, 1 (HSCR1). Also called: RET-Related Hirschsprung Disease. Identifiers: Orphanet 388, MedGen C3888239, MONDO:0007723, OMIM 142623.
Multiple endocrine neoplasia type 2A. Also called: Multiple Endocrine Neoplasia Type 2A (MEN2A); MULTIPLE ENDOCRINE NEOPLASIA, TYPE IIA; PTC SYNDROME; SIPPLE SYNDROME; MEN 2A; MEN-2A syndrome. Identifiers: Orphanet 247698, Orphanet 653, MedGen C0025268, MeSH D018813, MONDO:0008234, OMIM 171400.
Pheochromocytoma. Also called: MAX-Related Hereditary Paraganglioma-Pheochromocytoma Syndrome. Identifiers: Orphanet 29072, MedGen C0031511, MONDO:0008233, OMIM 171300, HP:0002666.
Hereditary cancer-predisposing syndrome. Also called: Hereditary neoplastic syndrome; Tumor predisposition; Neoplastic Syndromes, Hereditary; Hereditary Cancer Syndrome. Identifiers: Orphanet 140162, MedGen C0027672, MeSH D009386, MONDO:0015356.

Allele frequency attached by ClinVar (database versions not stated): gnomAD 0.00002 and 0.00001; gnomAD exomes 0.00003 and 0.00001; ExAC 0.00005; 1000 Genomes Project 0.00020; 1000 Genomes Project 30x 0.00031; TOPMed 0.00001.
gnomAD v4.1: 27 of 1,612,798 alleles (0.0017%); highest among the groups gnomAD compares: South Asian, 0.0044%; no homozygotes.

Submissions (10):

PreventionGenetics, part of Exact Sciences
Classification: Likely benign for RET-related condition. Last evaluated: 2026-05-13. Review status: criteria provided, single submitter. Criteria: ACMG Guidelines, 2015. Collection method: clinical testing. Allele origin: germline.
Comment: This variant is classified as likely benign based on ACMG/AMP sequence variant interpretation guidelines (Richards et al. 2015 PMID: 25741868, with internal and published modifications).

Labcorp Genetics (formerly Invitae), Labcorp
Classification: Likely benign for Multiple endocrine neoplasia, type 2. Last evaluated: 2026-01-28. Review status: criteria provided, single submitter. Criteria: Invitae Variant Classification Sherloc (09022015). Collection method: clinical testing. Allele origin: germline.

Myriad Genetics, Inc.
Classification: Benign for Multiple endocrine neoplasia type 2A. Last evaluated: 2023-04-17. Review status: criteria provided, single submitter. Criteria: Myriad Autosomal Dominant, Autosomal Recessive and X-Linked Classification Criteria (2023). Collection method: clinical testing. Allele origin: unknown.
Comment: This variant is considered benign. This variant is a silent/synonymous amino acid change and it is not expected to impact splicing.

Color Diagnostics, LLC DBA Color Health
Classification: Likely benign for Multiple endocrine neoplasia, type 2. Last evaluated: 2022-11-06. Review status: criteria provided, single submitter. Criteria: ACMG Guidelines, 2015. Collection method: clinical testing. Allele origin: germline.

Illumina Laboratory Services, Illumina
Classification: Likely benign for Multiple endocrine neoplasia. Last evaluated: 2018-01-13. Review status: criteria provided, single submitter. Criteria: ICSL Variant Classification Criteria 13 December 2019. Collection method: clinical testing. Allele origin: germline.
Comment: This variant was observed in the ICSL laboratory as part of a predisposition screen in an ostensibly healthy population. It had not been previously curated by ICSL or reported in the Human Gene Mutation Database (HGMD: prior to June 1st, 2018), and was therefore a candidate for classification through an automated scoring system. Utilizing variant allele frequency, disease prevalence and penetrance estimates, and inheritance mode, an automated score was calculated to assess if this variant is too frequent to cause the disease. Based on the score and internal cut-off values, a variant classified as likely benign is not then subjected to further curation. The score for this variant resulted in a classification of likely benign for this disease.

Illumina Laboratory Services, Illumina
Classification: Likely benign for Pheochromocytoma. Last evaluated: 2018-01-13. Review status: criteria provided, single submitter. Criteria: ICSL Variant Classification Criteria 13 December 2019. Collection method: clinical testing. Allele origin: germline.
Comment: the same text as in the submission from Illumina Laboratory Services, Illumina above.

Illumina Laboratory Services, Illumina
Classification: Uncertain significance for Renal hypodysplasia/aplasia 1. Last evaluated: 2018-01-13. Review status: criteria provided, single submitter. Criteria: ICSL Variant Classification Criteria 13 December 2019. Collection method: clinical testing. Allele origin: germline.

Illumina Laboratory Services, Illumina
Classification: Uncertain significance for Hirschsprung disease, susceptibility to, 1. Last evaluated: 2018-01-13. Review status: criteria provided, single submitter. Criteria: ICSL Variant Classification Criteria 13 December 2019. Collection method: clinical testing. Allele origin: germline.

Ambry Genetics
Classification: Likely benign for Hereditary cancer-predisposing syndrome. Last evaluated: 2017-09-07. Review status: criteria provided, single submitter. Criteria: Ambry Variant Classification Scheme 2023. Collection method: clinical testing. Allele origin: germline.

Counsyl
Classification: Likely benign for Multiple endocrine neoplasia type 2A. Last evaluated: 2017-08-23. Review status: no assertion criteria provided. Collection method: clinical testing. Allele origin: unknown. Not counted in ClinVar's aggregate classification.